The following is an entry in ClinVar:

ClinVar aggregate classification (germline): Uncertain significance. Review status: criteria provided, multiple submitters, no conflicts (2 of 4 stars). 3 submissions from 3 submitters: Uncertain significance (3). Last evaluated 2025-09-12.

Conditions:
Hereditary cancer-predisposing syndrome. Also called: Neoplastic Syndromes, Hereditary; Hereditary neoplastic syndrome; Tumor predisposition; Hereditary Cancer Syndrome. Identifiers: Orphanet 140162, MedGen C0027672, MeSH D009386, MONDO:0015356.
Hereditary diffuse gastric adenocarcinoma (HDGC). Also called: DIFFUSE GASTRIC AND LOBULAR BREAST CANCER SYNDROME. Identifiers: Orphanet 26106, MedGen C1708349, MONDO:0007648, OMIM 137215.

Allele frequency attached by ClinVar (database versions not stated): gnomAD exomes below 0.00001; ExAC 0.00001; gnomAD 0.00001; TOPMed 0.00001.
gnomAD v4.1: 5 of 1,614,048 alleles (0.00031%); highest among the groups gnomAD compares: African/African-American, 0.0053%; no homozygotes.

Submissions (3):

Ambry Genetics
Classification: Uncertain significance for Hereditary cancer-predisposing syndrome. Last evaluated: 2025-09-12. Review status: criteria provided, single submitter. Criteria: Ambry Variant Classification Scheme 2023. Collection method: clinical testing. Allele origin: germline.
Comment: The p.V65I variant (also known as c.193G>A), located in coding exon 2 of the CTNNA1 gene, results from a G to A substitution at nucleotide position 193. The valine at codon 65 is replaced by isoleucine, an amino acid with highly similar properties. This amino acid position is highly conserved in available vertebrate species. In addition, this alteration is predicted to be tolerated by in silico analysis. Based on the available evidence, the clinical significance of this variant remains unclear.

Labcorp Genetics (formerly Invitae), Labcorp
Classification: Uncertain significance. Last evaluated: 2025-08-21. Review status: criteria provided, single submitter. Criteria: Invitae Variant Classification Sherloc (09022015). Collection method: clinical testing. Allele origin: germline.
Comment: This sequence change replaces valine, which is neutral and non-polar, with isoleucine, which is neutral and non-polar, at codon 65 of the CTNNA1 protein (p.Val65Ile). This variant is present in population databases (rs748087788, gnomAD 0.008%). This variant has not been reported in the literature in individuals affected with CTNNA1-related conditions. ClinVar contains an entry for this variant (Variation ID: 661413). Invitae Evidence Modeling of protein sequence and biophysical properties (such as structural, functional, and spatial information, amino acid conservation, physicochemical variation, residue mobility, and thermodynamic stability) indicates that this missense variant is not expected to disrupt CTNNA1 protein function with a negative predictive value of 80%. In summary, the available evidence is currently insufficient to determine the role of this variant in disease. Therefore, it has been classified as a Variant of Uncertain Significance.

St. Jude Molecular Pathology, St. Jude Children's Research Hospital
Classification: Uncertain significance for Hereditary diffuse gastric adenocarcinoma. Last evaluated: 2024-09-05. Review status: criteria provided, single submitter. Criteria: St. Jude Assertion Criteria 2020. Collection method: clinical testing. Allele origin: germline.
Comment: The CTNNA1 c.193G>A (p.Val65Ile) missense change has a maximum subpopulation frequency of 0.008% in gnomAD v2.1.1. The in silico tool REVEL predicts a benign effect on protein function, but this prediction has not been confirmed by functional studies. This variant has not been reported in individuals with CTNNA1-related disease. In summary, the evidence currently available is insufficient to determine the clinical significance of this variant. It has therefore been classified as of uncertain significance.

NM_001903.5(CTNNA1):c.193G>A (p.Val65Ile)

Gene: CTNNA1 (catenin alpha 1; plus strand). Cytogenetic location: 5q31.2.
Variant type: single nucleotide variant.
Coding change: c.193G>A on transcript NM_001903.5 (MANE Select); coding-DNA position 193, G replaced by A.
Protein change: p.Val65Ile; replaces valine 65 with isoleucine.
Molecular consequence: missense variant. On other transcripts: 5 prime UTR variant (1), intron variant (1).
Genome position (GRCh38, 1-based): chr5:138,783,264, G>A. VCF-style: chr5-138783264-G-A. GRCh37 (hg19) VCF-style: chr5-138118953-G-A.
Other names: c.193G>A, p.Val65Ile (NM_001290307.3, NM_001323982.2, NM_001323983.1 and 3 more transcripts); c.-14G>A (NM_001290310.3); c.-9+1235G>A (NM_001290309.3); short protein forms V65I.
Identifiers: ClinVar variation 661413 (VCV000661413.13), dbSNP rs748087788, ClinGen allele CA3431374.
Genomic context (GRCh38, chr5:138,783,264, plus strand): 5'-AAAGGGCCCTCTAATAAGAAGAGAGGTCGTTCTAAGAAGGCCCATGTTTTGGCTGCATCT[G>A]TTGAACAAGCAACTGAGAATTTCTTGGAGAAGGGGGATAAAATTGCGAAGGAGAGCCAGT-3'
Protein context (NP_001894.2, residues 55-75): SKKAHVLAAS[Val65Ile]EQATENFLEK